The following is an entry in ClinVar:

NM_032242.4(PLXNA1):c.4653C>T (p.Ala1551=)

Gene: PLXNA1 (plexin A1; plus strand). Cytogenetic location: 3q21.3.
Variant type: single nucleotide variant.
Coding change: c.4653C>T on transcript NM_032242.4 (MANE Select); coding-DNA position 4653, C replaced by T.
Protein change: p.Ala1551=; no amino-acid change (alanine 1551 retained).
Molecular consequence: synonymous variant.
Genome position (GRCh38, 1-based): chr3:127,028,324, C>T. VCF-style: chr3-127028324-C-T. GRCh37 (hg19) VCF-style: chr3-126747167-C-T.
Identifiers: ClinVar variation 3355742 (VCV003355742.5).
Genomic context (GRCh38, chr3:127,028,324, plus strand): 5'-CAAGGAGAAGCTGCTGGACGCTGCCTACAAGGGCGTGCCCTACTCCCAGCGGCCCAAGGC[C>T]GCGGACATGGACCTGGGTGAGCGGGCGGGGCCACGGCTGCCCGGGGTGTGTGCTGGAGCA-3'
Protein context (NP_115618.3, residues 1541-1561): KGVPYSQRPK[Ala1551=]ADMDLEWRQG

ClinVar aggregate classification (germline): Likely benign. Review status: criteria provided, single submitter (1 of 4 stars). 2 submissions from 2 submitters: Likely benign (1). 1 of the submissions does not count toward it. Last evaluated 2026-01-01.

Conditions:
PLXNA1-related disorder. Also called: PLXNA1-related condition.

gnomAD v4.1: 20 of 1,611,444 alleles (0.0012%); highest among the groups gnomAD compares: Admixed American, 0.0067%; no homozygotes.

Submissions (2):

CeGaT Center for Human Genetics Tuebingen
Classification: Likely benign. Last evaluated: 2026-01-01. Review status: criteria provided, single submitter. Criteria: CeGaT Center For Human Genetics Tuebingen Variant Classification Criteria Version 2. Collection method: clinical testing. Allele origin: germline. Affected: yes. Observed: 1 variant allele.
Comment: PLXNA1: BP4, BP7

PreventionGenetics, part of Exact Sciences
Classification: Likely benign for PLXNA1-related condition. Last evaluated: 2022-02-11. Review status: no assertion criteria provided. Collection method: clinical testing. Allele origin: germline. Not counted in ClinVar's aggregate classification.
Comment: This variant is classified as likely benign based on ACMG/AMP sequence variant interpretation guidelines (Richards et al. 2015 PMID: 25741868, with internal and published modifications).